The following is an entry in ClinVar:

NM_000102.4(CYP17A1):c.869del (p.Asn290fs)

Genes: CYP17A1 (cytochrome P450 family 17 subfamily A member 1; minus strand), CYP17A1-AS1 (CYP17A1 antisense RNA 1; plus strand). Cytogenetic location: 10q24.32.
Variant type: Deletion.
Coding change: c.869del on transcript NM_000102.4 (MANE Select); coding-DNA position 869, one base deleted (A; older notation c.869delA).
Protein change: p.Asn290fs; shifts the reading frame from asparagine 290.
Molecular consequence: frameshift variant.
Genome position (GRCh38, 1-based): chr10:102,833,093, T deleted on the plus strand (A on the coding strand, the reverse complement: CYP17A1 is on the minus strand); the first of 2 consecutive T bases (chr10:102,833,093-102,833,094); deleting either gives the same sequence. VCF-style (leftmost placement, unchanged base first): chr10-102833092-GT-G. GRCh37 (hg19) VCF-style: chr10-104592849-GT-G.
Other names: c.869delA (NM_000102.3); short protein forms N290fs.
Identifiers: ClinVar variation 658387 (VCV000658387.10), dbSNP rs766331452, ClinGen allele CA5669456.

ClinVar aggregate classification (germline): Pathogenic/Likely pathogenic. Review status: criteria provided, multiple submitters, no conflicts (2 of 4 stars). 3 submissions from 3 submitters: Pathogenic (1); Likely pathogenic (2). Last evaluated 2025-12-23.

Conditions:
Deficiency of steroid 17-alpha-monooxygenase. Also called: 17-alpha-hydroxylase/17,20-lyase deficiency; 17-ALPHA-HYDROXYLASE DEFICIENCY; Congenital adrenal hyperplasia due to 17-alpha-hydroxylase deficiency; Congenital adrenal hyperplasia type 5; ADRENAL HYPERPLASIA V. Identifiers: Orphanet 90793, MedGen C0268285, MONDO:0008730, OMIM 202110.

Submissions (3):

Labcorp Genetics (formerly Invitae), Labcorp
Classification: Pathogenic. Last evaluated: 2025-12-23. Review status: criteria provided, single submitter. Criteria: Invitae Variant Classification Sherloc (09022015). Collection method: clinical testing. Allele origin: germline.
Comment: This sequence change creates a premature translational stop signal (p.Asn290Thrfs*7) in the CYP17A1 gene. It is expected to result in an absent or disrupted protein product. Loss-of-function variants in CYP17A1 are known to be pathogenic (PMID: 10720067, 14747197, 17192295, 20197673, 24140098). This variant is present in population databases (rs766331452, gnomAD 0.002%). This variant has not been reported in the literature in individuals affected with CYP17A1-related conditions. ClinVar contains an entry for this variant (Variation ID: 658387). For these reasons, this variant has been classified as Pathogenic.

Natera, Inc.
Classification: Likely pathogenic for Deficiency of steroid 17-alpha-monooxygenase. Last evaluated: 2025-05-12. Review status: criteria provided, single submitter. Criteria: Natera Variant Classification Schema (03/2026). Collection method: clinical testing. Allele origin: germline.
Comment: The c.869delA variant in CYP17A1 is a frameshift variant predicted to shift the reading frame beginning at codon 290 and leads to a stop codon 7 codons downstream. This variant is expected to result in nonsense mediated decay, truncation, or a dysfunctional protein product. This variant is rare in the general population with a frequency below the threshold expected for the associated phenotype(s). Given the available evidence, this variant is classified as Likely Pathogenic.

Fulgent Genetics
Classification: Likely pathogenic for Deficiency of steroid 17-alpha-monooxygenase. Last evaluated: 2021-09-06. Review status: criteria provided, single submitter. Criteria: ACMG Guidelines, 2015. Collection method: clinical testing. Allele origin: unknown.

Literature cited by the submitters: PubMed 10720067 (cited by Labcorp Genetics (formerly Invitae), Labcorp); PubMed 14747197 (cited by Labcorp Genetics (formerly Invitae), Labcorp); PubMed 17192295 (cited by Labcorp Genetics (formerly Invitae), Labcorp); PubMed 20197673 (cited by Labcorp Genetics (formerly Invitae), Labcorp); PubMed 24140098 (cited by Labcorp Genetics (formerly Invitae), Labcorp).